The following is an entry in ClinVar:

ClinVar aggregate classification (germline): Uncertain significance (1 of 4 stars; one submission).

Conditions:
Hereditary cancer-predisposing syndrome. Also called: Neoplastic Syndromes, Hereditary; Tumor predisposition; Hereditary Cancer Syndrome; Hereditary neoplastic syndrome. Identifiers: Orphanet 140162, MedGen C0027672, MeSH D009386, MONDO:0015356.

Submission:

Ambry Genetics
Classification: Uncertain significance for Hereditary cancer-predisposing syndrome. Last evaluated: 2025-11-19. Review status: criteria provided, single submitter. Criteria: Ambry Variant Classification Scheme 2023. Collection method: clinical testing. Allele origin: germline.
Comment: The p.M947T variant (also known as c.2840T>C), located in coding exon 23 of the EGFR gene, results from a T to C substitution at nucleotide position 2840. The methionine at codon 947 is replaced by threonine, an amino acid with similar properties. This amino acid position is highly conserved in available vertebrate species. In addition, this alteration is predicted to be deleterious by in silico analysis. Based on the available evidence, the clinical significance of this variant remains unclear.

NM_005228.5(EGFR):c.2840T>C (p.Met947Thr)

Gene: EGFR (epidermal growth factor receptor; plus strand). Cytogenetic location: 7p11.2.
Variant type: single nucleotide variant.
Coding change: c.2840T>C on transcript NM_005228.5 (MANE Select); coding-DNA position 2840, T replaced by C.
Protein change: p.Met947Thr; replaces methionine 947 with threonine.
Molecular consequence: missense variant.
Genome position (GRCh38, 1-based): chr7:55,198,855, T>C. VCF-style: chr7-55198855-T-C. GRCh37 (hg19) VCF-style: chr7-55266548-T-C.
Other names: c.2705T>C, p.Met902Thr (NM_001346897.2, NM_001346899.2); c.2840T>C, p.Met947Thr (NM_001346898.2); c.2681T>C, p.Met894Thr (NM_001346900.2); c.2039T>C, p.Met680Thr (NM_001346941.2); short protein forms M894T, M680T, M947T, M902T.
Identifiers: ClinVar variation 4639402 (VCV004639402.1).
Genomic context (GRCh38, chr7:55,198,855, plus strand): 5'-TGGAGAAAGGAGAACGCCTCCCTCAGCCACCCATATGTACCATCGATGTCTACATGATCA[T>C]GGTCAAGTGTGAGTGACTGGTGGGTCTGTCCACACTGCCTAGCTGAGCCTTGGTGGCTGC-3'
Protein context (NP_005219.2, residues 937-957): PICTIDVYMI[Met947Thr]VKCWMIDADS